The following is an entry in ClinVar:

NM_000143.4(FH):c.1347G>C (p.Met449Ile)

Gene: FH (fumarate hydratase; minus strand). Cytogenetic location: 1q43.
Variant type: single nucleotide variant.
Coding change: c.1347G>C on transcript NM_000143.4 (MANE Select); coding-DNA position 1347, G replaced by C.
Protein change: p.Met449Ile; replaces methionine 449 with isoleucine.
Molecular consequence: missense variant.
Genome position (GRCh38, 1-based): chr1:241,500,480, C>G on the plus strand (G>C on the coding strand, the complement: FH is on the minus strand). VCF-style: chr1-241500480-C-G. GRCh37 (hg19) VCF-style: chr1-241663780-C-G.
Other names: short protein forms M449I.
Identifiers: ClinVar variation 1004896 (VCV001004896.9), dbSNP rs376502356, ClinGen allele CA1478473.
Genomic context (GRCh38, chr1:241,500,480, plus strand): 5'-ATTCCTTAAACACTTACCTATATGAGGATTGAGAGCTGTCACCAACATTAGAGACTCATT[C>G]ATCAGCTTGTTGATCCTTTCTGTATTGGCCTGGATTCCCACCACGCAGTTTTCTGTAAAG-3'
Protein context (NP_000134.2, residues 439-459): QANTERINKL[Met449Ile]NESLMLVTAL

ClinVar aggregate classification (germline): Conflicting classifications of pathogenicity. Review status: criteria provided, conflicting classifications (1 of 4 stars). 3 submissions from 3 submitters: Uncertain significance (2); Likely benign (1). Last evaluated 2025-11-25.

Conditions:
Hereditary leiomyomatosis and renal cell cancer. Also called: FH tumor predisposition syndrome; LEIOMYOMA, MULTIPLE CUTANEOUS; Multiple cutaneous leiomyomas; MULTIPLE CUTANEOUS AND UTERINE LEIOMYOMATA 1, WITH OR WITHOUT RENAL CELL CARCINOMA; Familial leiomyomatosis; Reed syndrome. Identifiers: Orphanet 523, MedGen C1708350, MONDO:0007888, OMIM 150800, HP:0007437. Disease mechanism: loss of function.
Hereditary cancer-predisposing syndrome. Also called: Neoplastic Syndromes, Hereditary; Hereditary Cancer Syndrome; Hereditary neoplastic syndrome; Tumor predisposition. Identifiers: Orphanet 140162, MedGen C0027672, MeSH D009386, MONDO:0015356.

Allele frequency attached by ClinVar (database versions not stated): gnomAD 0.00001; gnomAD exomes 0.00001; ExAC 0.00002; TOPMed 0.00002; ESP Exome Variant Server 0.00008.
gnomAD v4.1: 4 of 1,613,898 alleles (0.00025%); highest among the groups gnomAD compares: African/African-American, 0.004%; no homozygotes.

Submissions (3):

Ambry Genetics
Classification: Uncertain significance for Hereditary cancer-predisposing syndrome. Last evaluated: 2025-11-25. Review status: criteria provided, single submitter. Criteria: Ambry Variant Classification Scheme 2023. Collection method: clinical testing. Allele origin: germline.
Comment: The p.M449I variant (also known as c.1347G>C), located in coding exon 9 of the FH gene, results from a G to C substitution at nucleotide position 1347. The methionine at codon 449 is replaced by isoleucine, an amino acid with highly similar properties. This amino acid position is highly conserved in available vertebrate species. In addition, this alteration is predicted to be deleterious by in silico analysis. Since supporting evidence is limited at this time, the clinical significance of this alteration remains unclear.

Labcorp Genetics (formerly Invitae), Labcorp
Classification: Uncertain significance. Last evaluated: 2025-10-01. Review status: criteria provided, single submitter. Criteria: Invitae Variant Classification Sherloc (09022015). Collection method: clinical testing. Allele origin: germline.
Comment: This sequence change replaces methionine, which is neutral and non-polar, with isoleucine, which is neutral and non-polar, at codon 449 of the FH protein (p.Met449Ile). This variant is present in population databases (rs376502356, gnomAD 0.01%). This variant has not been reported in the literature in individuals affected with FH-related conditions. ClinVar contains an entry for this variant (Variation ID: 1004896). Invitae Evidence Modeling of protein sequence and biophysical properties (such as structural, functional, and spatial information, amino acid conservation, physicochemical variation, residue mobility, and thermodynamic stability) has been performed for this missense variant. However, the output from this modeling did not meet the statistical confidence thresholds required to predict the impact of this variant on FH protein function. In summary, the available evidence is currently insufficient to determine the role of this variant in disease. Therefore, it has been classified as a Variant of Uncertain Significance.

Myriad Genetics, Inc.
Classification: Likely benign for Hereditary leiomyomatosis and renal cell cancer. Last evaluated: 2024-08-23. Review status: criteria provided, single submitter. Criteria: Myriad Autosomal Dominant, Autosomal Recessive and X-Linked Classification Criteria (2023). Collection method: clinical testing. Allele origin: unknown.
Comment: This variant is considered likely benign. This variant has been observed at a population frequency that is significantly greater than expected given the associated disease prevalence and penetrance.